The following is an entry in ClinVar:

ClinVar aggregate classification (germline): Likely benign (1 of 4 stars; one submission).

Allele frequency attached by ClinVar (database versions not stated): 1000 Genomes Project 0.00060; 1000 Genomes Project 30x 0.00094.
gnomAD v4.1: 303 of 1,613,802 alleles (0.019%); highest among the groups gnomAD compares: African/African-American, 0.35%; 3 homozygotes.

Submission:

CeGaT Center for Human Genetics Tuebingen
Classification: Likely benign. Last evaluated: 2024-05-01. Review status: criteria provided, single submitter. Criteria: CeGaT Center For Human Genetics Tuebingen Variant Classification Criteria Version 2. Collection method: clinical testing. Allele origin: germline. Affected: yes. Observed: 1 variant allele.
Comment: ANGPT2: BP4, BP7

NM_001118887.2(ANGPT2):c.714G>A (p.Thr238=)

Genes: ANGPT2 (angiopoietin 2; minus strand), MCPH1 (microcephalin 1; plus strand). Cytogenetic location: 8p23.1.
Variant type: single nucleotide variant.
Coding change: c.714G>A on transcript NM_001118887.2 (MANE Select); coding-DNA position 714, G replaced by A.
Protein change: p.Thr238=; no amino-acid change (threonine 238 retained).
Molecular consequence: synonymous variant. On other transcripts: intron variant (6).
Genome position (GRCh38, 1-based): chr8:6,521,263, C>T on the plus strand (G>A on the coding strand, the complement: ANGPT2 is on the minus strand). VCF-style: chr8-6521263-C-T. GRCh37 (hg19) VCF-style: chr8-6378784-C-T.
Other names: c.558G>A, p.Thr186= (NM_001118888.2, NM_001386335.1); c.714G>A, p.Thr238= (NM_001147.3, NM_001386336.1, NM_001386337.1); c.2214+21334C>T (NM_001322042.2, NM_024596.5, NM_001363979.1 and 2 more transcripts); c.1935+66011C>T (NM_001363980.2).
Identifiers: ClinVar variation 3239126 (VCV003239126.19), dbSNP rs55633437.